The following is an entry in ClinVar:

ClinVar aggregate classification (germline): Uncertain significance (1 of 4 stars; one submission).

Conditions:
Long QT syndrome (LQTS). Identifiers: MedGen C0023976, MeSH D008133, MONDO:0002442. Disease mechanism: loss of function. Inheritance: Various modes of inheritance.

Submission:

Labcorp Genetics (formerly Invitae), Labcorp
Classification: Uncertain significance for Long QT syndrome. Last evaluated: 2023-04-15. Review status: criteria provided, single submitter. Criteria: Invitae Variant Classification Sherloc (09022015). Collection method: clinical testing. Allele origin: germline.
Comment: This sequence change creates a premature translational stop signal (p.Ile2071*) in the CACNA1C gene. While this is not anticipated to result in nonsense mediated decay, it is expected to disrupt the last 68 amino acid(s) of the CACNA1C protein. In summary, the available evidence is currently insufficient to determine the role of this variant in disease. Therefore, it has been classified as a Variant of Uncertain Significance. Experimental studies and prediction algorithms are not available or were not evaluated, and the functional significance of this variant is currently unknown. This variant has not been reported in the literature in individuals affected with CACNA1C-related conditions. This variant is not present in population databases (gnomAD no frequency).

NM_000719.7(CACNA1C):c.6210del (p.Thr2070_Ile2071insTer)

Genes: CACNA1C (calcium voltage-gated channel subunit alpha1 C; plus strand), CACNA1C-AS1 (CACNA1C antisense RNA 1; minus strand). Cytogenetic location: 12p13.33.
Variant type: Deletion.
Coding change: c.6210del on transcript NM_000719.7 (MANE Select); coding-DNA position 6210, one base deleted (C; older notation c.6210delC).
Protein change: p.Thr2070_Ile2071insTer.
Molecular consequence: frameshift variant.
Genome position (GRCh38, 1-based): chr12:2,690,992, C deleted; the last of 2 consecutive C bases (chr12:2,690,991-2,690,992); deleting either gives the same sequence. VCF-style (leftmost placement, unchanged base first): chr12-2690990-AC-A. GRCh37 (hg19) VCF-style: chr12-2800156-AC-A.
Other names: c.6354del, p.Thr2118_Ile2119insTer (NM_001129827.2); c.6333del, p.Thr2111_Ile2112insTer (NM_001129829.2); c.6315del, p.Thr2105_Ile2106insTer (NM_001129830.3, NM_001167624.3); c.6294del, p.Thr2098_Ile2099insTer (NM_001129831.2); c.6270del, p.Thr2090_Ile2091insTer (NM_001129832.2); c.6267del, p.Thr2089_Ile2090insTer (NM_001129833.2, NM_001129834.2, NM_001129835.2); c.6261del, p.Thr2087_Ile2088insTer (NM_001129836.2); c.6234del, p.Thr2078_Ile2079insTer (NM_001129837.2, NM_001129838.2); and 6 more.
Identifiers: ClinVar variation 2856678 (VCV002856678.3), dbSNP rs2535488319, ClinGen allele CA2739271806.